The following is an entry in ClinVar:

ClinVar aggregate classification (germline): Conflicting classifications of pathogenicity. Review status: criteria provided, conflicting classifications (1 of 4 stars). 6 submissions from 4 submitters: Uncertain significance (3); Likely benign (3). Last evaluated 2026-03-31.

Conditions:
RLBP1-related disorder. Also called: RLBP1-related disorders; RLBP1-related condition. Identifiers: MedGen CN239413.
Retinitis pigmentosa (RP). Identifiers: Orphanet 791, MedGen C0035334, MeSH D012174, MONDO:0019200, OMIM 268000. Inheritance: Autosomal dominant, autosomal recessive and X linked inheritance.
Pigmentary retinal dystrophy. Also called: Fundus albipunctatus. Identifiers: Orphanet 227796, Orphanet 52427, MedGen C0311338, MONDO:0007639, OMIM 136880, HP:0030642.
Newfoundland cone-rod dystrophy. Identifiers: MedGen C1843815, MONDO:0011839, OMIM 607476.

Allele frequency attached by ClinVar (database versions not stated): gnomAD 0.00013 and 0.00014; TOPMed 0.00013; ExAC 0.00014; gnomAD exomes 0.00014; ESP Exome Variant Server 0.00046.
gnomAD v4.1: 119 of 1,612,300 alleles (0.0074%); highest among the groups gnomAD compares: African/African-American, 0.013%; no homozygotes.

Submissions (6):

PreventionGenetics, part of Exact Sciences
Classification: Likely benign for RLBP1-related condition. Last evaluated: 2026-03-31. Review status: criteria provided, single submitter. Criteria: ACMG Guidelines, 2015. Collection method: clinical testing. Allele origin: germline.
Comment: This variant is classified as likely benign based on ACMG/AMP sequence variant interpretation guidelines (Richards et al. 2015 PMID: 25741868, with internal and published modifications).

Labcorp Genetics (formerly Invitae), Labcorp
Classification: Likely benign. Last evaluated: 2025-08-17. Review status: criteria provided, single submitter. Criteria: Invitae Variant Classification Sherloc (09022015). Collection method: clinical testing. Allele origin: germline.

Blueprint Genetics
Classification: Likely benign. Last evaluated: 2024-07-03. Review status: criteria provided, single submitter. Criteria: ACMG Guidelines, 2015. Collection method: clinical testing. Allele origin: germline.

Illumina Laboratory Services, Illumina
Classification: Uncertain significance for Pigmentary retinal dystrophy. Last evaluated: 2018-01-13. Review status: criteria provided, single submitter. Criteria: ICSL Variant Classification Criteria 13 December 2019. Collection method: clinical testing. Allele origin: germline.

Illumina Laboratory Services, Illumina
Classification: Uncertain significance for Retinitis pigmentosa. Last evaluated: 2018-01-13. Review status: criteria provided, single submitter. Criteria: ICSL Variant Classification Criteria 13 December 2019. Collection method: clinical testing. Allele origin: germline.

Illumina Laboratory Services, Illumina
Classification: Uncertain significance for Newfoundland cone-rod dystrophy. Last evaluated: 2018-01-13. Review status: criteria provided, single submitter. Criteria: ICSL Variant Classification Criteria 13 December 2019. Collection method: clinical testing. Allele origin: germline.

NM_000326.5(RLBP1):c.228G>A (p.Ser76=)

Gene: RLBP1 (retinaldehyde binding protein 1; minus strand). Cytogenetic location: 15q26.1.
Variant type: single nucleotide variant.
Coding change: c.228G>A on transcript NM_000326.5 (MANE Select); coding-DNA position 228, G replaced by A.
Protein change: p.Ser76=; no amino-acid change (serine 76 retained).
Molecular consequence: synonymous variant.
Genome position (GRCh38, 1-based): chr15:89,217,238, C>T on the plus strand (G>A on the coding strand, the complement: RLBP1 is on the minus strand). VCF-style: chr15-89217238-C-T. GRCh37 (hg19) VCF-style: chr15-89760469-C-T.
Identifiers: ClinVar variation 317241 (VCV000317241.17), dbSNP rs202116993, ClinGen allele CA7722351.